The following is an entry in ClinVar:

NM_003719.5(PDE8B):c.497A>C (p.Glu166Ala)

Gene: PDE8B (phosphodiesterase 8B; plus strand). Cytogenetic location: 5q13.3.
Variant type: single nucleotide variant.
Coding change: c.497A>C on transcript NM_003719.5 (MANE Select); coding-DNA position 497, A replaced by C.
Protein change: p.Glu166Ala; replaces glutamic acid 166 with alanine.
Molecular consequence: missense variant.
Genome position (GRCh38, 1-based): chr5:77,325,636, A>C. VCF-style: chr5-77325636-A-C. GRCh37 (hg19) VCF-style: chr5-76621461-A-C.
Other names: c.497A>C, p.Glu166Ala (NM_001029851.4, NM_001029852.4, NM_001029854.4 and 2 more transcripts); c.437A>C, p.Glu146Ala (NM_001029853.4); c.494A>C, p.Glu165Ala (NM_001349748.3, NM_001349751.3, NM_001376065.1); c.560A>C, p.Glu187Ala (NM_001349749.3); c.257A>C, p.Glu86Ala (NM_001349750.3); c.191A>C, p.Glu64Ala (NM_001349752.3, NM_001376071.1); c.125A>C, p.Glu42Ala (NM_001349753.2, NM_001376067.1, NM_001376068.1 and 3 more transcripts); c.194A>C, p.Glu65Ala (NM_001376062.1, NM_001376070.1, NM_001376072.1 and 1 more transcripts); and 2 more; short protein forms E187A, E65A, E165A, E166A, E45A, E64A, E85A, E146A.
Identifiers: ClinVar variation 2976144 (VCV002976144.3), dbSNP rs764991398, ClinGen allele CA3314944.

ClinVar aggregate classification (germline): Uncertain significance (1 of 4 stars; one submission).

Allele frequency attached by ClinVar (database versions not stated): gnomAD exomes 0.00002; TOPMed below 0.00001; ExAC 0.00001.

Submission:

Labcorp Genetics (formerly Invitae), Labcorp
Classification: Uncertain significance. Last evaluated: 2023-04-12. Review status: criteria provided, single submitter. Criteria: Invitae Variant Classification Sherloc (09022015). Collection method: clinical testing. Allele origin: germline.
Comment: This sequence change replaces glutamic acid, which is acidic and polar, with alanine, which is neutral and non-polar, at codon 166 of the PDE8B protein (p.Glu166Ala). This variant is present in population databases (rs764991398, gnomAD 0.0009%). This variant has not been reported in the literature in individuals affected with PDE8B-related conditions. An algorithm developed to predict the effect of missense changes on protein structure and function (PolyPhen-2) suggests that this variant is likely to be disruptive. In summary, the available evidence is currently insufficient to determine the role of this variant in disease. Therefore, it has been classified as a Variant of Uncertain Significance.